The following is an entry in ClinVar:

ClinVar aggregate classification (germline): Likely benign. Review status: criteria provided, single submitter (1 of 4 stars). 2 submissions from 2 submitters: Likely benign (1). 1 of the submissions does not count toward it. Last evaluated 2024-06-16.

Conditions:
ABCA3-related disorder. Also called: ABCA3-related condition.

Allele frequency attached by ClinVar (database versions not stated): TOPMed below 0.00001; gnomAD 0.00001; gnomAD exomes 0.00001.
gnomAD v4.1: 10 of 1,611,760 alleles (0.00062%); highest among the groups gnomAD compares: African/African-American, 0.0013%; no homozygotes.

Submissions (2):

Labcorp Genetics (formerly Invitae), Labcorp
Classification: Likely benign. Last evaluated: 2024-06-16. Review status: criteria provided, single submitter. Criteria: Invitae Variant Classification Sherloc (09022015). Collection method: clinical testing. Allele origin: germline.

PreventionGenetics, part of Exact Sciences
Classification: Likely benign for ABCA3-related condition. Last evaluated: 2019-03-08. Review status: no assertion criteria provided. Collection method: clinical testing. Allele origin: germline. Not counted in ClinVar's aggregate classification.
Comment: This variant is classified as likely benign based on ACMG/AMP sequence variant interpretation guidelines (Richards et al. 2015 PMID: 25741868, with internal and published modifications).

NM_001089.3(ABCA3):c.3450C>T (p.Leu1150=)

Gene: ABCA3 (ATP binding cassette subfamily A member 3; minus strand). Cytogenetic location: 16p13.3.
Variant type: single nucleotide variant.
Coding change: c.3450C>T on transcript NM_001089.3 (MANE Select); coding-DNA position 3450, C replaced by T.
Protein change: p.Leu1150=; no amino-acid change (leucine 1150 retained).
Molecular consequence: synonymous variant.
Genome position (GRCh38, 1-based): chr16:2,285,475, G>A on the plus strand (C>T on the coding strand, the complement: ABCA3 is on the minus strand). VCF-style: chr16-2285475-G-A. GRCh37 (hg19) VCF-style: chr16-2335476-G-A.
Identifiers: ClinVar variation 3057684 (VCV003057684.4), dbSNP rs1419817235, ClinGen allele CA493124096.